The following is an entry in ClinVar:

ClinVar aggregate classification (germline): Uncertain significance (1 of 4 stars; one submission).

Submission:

Labcorp Genetics (formerly Invitae), Labcorp
Classification: Uncertain significance. Last evaluated: 2025-03-13. Review status: criteria provided, single submitter. Criteria: Invitae Variant Classification Sherloc (09022015). Collection method: clinical testing. Allele origin: germline.
Comment: This sequence change replaces phenylalanine, which is neutral and non-polar, with leucine, which is neutral and non-polar, at codon 101 of the SNX10 protein (p.Phe101Leu). This variant is not present in population databases (gnomAD no frequency). This missense change has been observed in individual(s) with osteopetrosis (internal data). In at least one individual the data is consistent with being in trans (on the opposite chromosome) from a pathogenic variant. An algorithm developed to predict the effect of missense changes on protein structure and function (PolyPhen-2) suggests that this variant is likely to be disruptive. In summary, the available evidence is currently insufficient to determine the role of this variant in disease. Therefore, it has been classified as a Variant of Uncertain Significance.

NM_013322.3(SNX10):c.303C>G (p.Phe101Leu)

Gene: SNX10 (sorting nexin 10; plus strand). Cytogenetic location: 7p15.2.
Variant type: single nucleotide variant.
Coding change: c.303C>G on transcript NM_013322.3 (MANE Select); coding-DNA position 303, C replaced by G.
Protein change: p.Phe101Leu; replaces phenylalanine 101 with leucine.
Molecular consequence: missense variant.
Genome position (GRCh38, 1-based): chr7:26,365,137, C>G. VCF-style: chr7-26365137-C-G. GRCh37 (hg19) VCF-style: chr7-26404757-C-G.
Other names: c.303C>G, p.Phe101Leu (NM_001199835.1, NM_001318199.3); c.294C>G, p.Phe98Leu (NM_001199837.3); c.51C>G, p.Phe17Leu (NM_001199838.2); c.381C>G, p.Phe127Leu (NM_001318198.1, NM_001362753.1, NM_001362754.1); short protein forms F101L, F127L, F17L, F98L.
Identifiers: ClinVar variation 3724774 (VCV003724774.2).